The following is an entry in ClinVar:

NM_000038.6(APC):c.1549-8A>G

Gene: APC (APC regulator of Wnt signaling pathway; plus strand). Cytogenetic location: 5q22.2.
Variant type: single nucleotide variant.
Coding change: c.1549-8A>G on transcript NM_000038.6 (MANE Select); 8 bases into the intron before coding-DNA position 1549, A replaced by G.
Molecular consequence: intron variant.
Genome position (GRCh38, 1-based): chr5:112,827,921, A>G. VCF-style: chr5-112827921-A-G. GRCh37 (hg19) VCF-style: chr5-112163618-A-G.
Other names: c.1549-8A>G (NM_001354895.2, NM_001127510.3); c.1579-8A>G (NM_001354897.2); c.1276-8A>G (NM_001354902.2); c.1495-8A>G (NM_001127511.3); c.1474-8A>G (NM_001354898.2); c.1171-8A>G (NM_001354904.2); c.700-8A>G (NM_001354906.2); c.1603-8A>G (NM_001354896.2); and 5 more.
Identifiers: ClinVar variation 1774985 (VCV001774985.4), dbSNP rs2149813062, ClinGen allele CA645562792.

ClinVar aggregate classification (germline): Likely pathogenic. Review status: criteria provided, multiple submitters, no conflicts (2 of 4 stars). 2 submissions from 2 submitters: Likely pathogenic (2). Last evaluated 2025-10-07.

Conditions:
Hereditary cancer-predisposing syndrome. Also called: Hereditary Cancer Syndrome; Hereditary neoplastic syndrome; Neoplastic Syndromes, Hereditary; Tumor predisposition. Identifiers: Orphanet 140162, MedGen C0027672, MeSH D009386, MONDO:0015356.
Familial adenomatous polyposis 1 (FAP1). Also called: FAMILIAL ADENOMATOUS POLYPOSIS 1, ATTENUATED; POLYPOSIS, ADENOMATOUS INTESTINAL. Identifiers: MedGen C2713442, MONDO:0021056, OMIM 175100. Disease mechanism: loss of function.

Submissions (2):

University of Washington Department of Laboratory Medicine, University of Washington
Classification: Likely pathogenic for Familial adenomatous polyposis 1. Last evaluated: 2025-10-07. Review status: criteria provided, single submitter. Criteria: Shirts BH et al. (Am J Hum Genet 2018). Collection method: clinical testing. Allele origin: de novo. Affected: yes.
Comment: We classify the APC c.1549-8A>G variant as likely pathogenic based on internal and published evidence. Tumor sequencing demonstrated a second somatic APC variant in the same polyp, consistent with a “two-hit” model of tumorigenesis. These findings are consistent with biallelic inactivation of APC, providing evidence in support of PS3_supporting. The use of tumor molecular features and somatic evidence to inform germline variant classification has been described in the literature (Shirts et al., 2018. Genet Med. PMID: 29887214). The c.1549-8A>G alteration occurs in intron 12 of APC, eight bases upstream of coding exon 13. RNA assays have demonstrated that this variant activates a cryptic splice acceptor site, inserting 7 nucleotides, which leads to a frameshift and transcript predicted to undergo nonsense-mediated decay (Wai HA et al., 2020. Genet Med. PMID: 32079666). This functional evidence supports a loss-of-function mechanism consistent with pathogenic APC variants. Loss-of-function in APC is a well-established cause of familial adenomatous polyposis (FAP). This variant is absent from large population databases, including gnomAD v4.0.0, meeting PM2_supporting. Computational splice algorithms also predict disruption of the native splice acceptor and strengthening of a cryptic acceptor site, supporting PP3. The phenotype, adenomatous polyposis, is highly specific to pathogenic APC variants. Importantly, colorectal adenomas have an exceptionally low background mutation rate (~1.6/Mb) and ~90% harbor a WNT pathway driver, most commonly APC (PMID: 28607096; PMID: 27221540). In this context, the presence of a somatic APC splice-disrupting variant and concordant second hit strongly supports a pathogenic role (PP4). Together, the published RNA evidence, predicted splice disruption leading to loss-of-function, absence from population databases, tumor “second hit” evidence, and highly specific clinical phenotype support a likely pathogenic classification for the APC c.1549-8A>G variant.

Ambry Genetics
Classification: Likely pathogenic for Hereditary cancer-predisposing syndrome. Last evaluated: 2023-02-06. Review status: criteria provided, single submitter. Criteria: Ambry Variant Classification Scheme 2023. Collection method: clinical testing. Allele origin: germline.
Comment: The c.1549-8A>G intronic variant results from an A to G substitution 8 nucleotides upstream from coding exon 12 in the APC gene. This alteration has been observed in at least one individual with a personal and/or family history that is consistent with APC-related disease (Ambry internal data). RNA assays have shown that this alteration results in the use of a cryptic splice site that inserts 7 nucleotides, causes a frameshift, and results in transcript that is subject to nonsense-mediated decay (Ambry internal data; Wai HA et al. Genet Med, 2020 06;22:1005-1014). This nucleotide position is not well conserved in available vertebrate species. In silico splice site analysis predicts that this alteration will weaken the native splice acceptor site and will result in the creation or strengthening of a novel splice acceptor site. This variant is considered to be rare based on population cohorts in the Genome Aggregation Database (gnomAD). Based on the majority of available evidence to date, this variant is likely to be pathogenic.

Literature cited by the submitters: PubMed 32079666 (cited by University of Washington Department of Laboratory Medicine, University of Washington); PubMed 28607096 (cited by University of Washington Department of Laboratory Medicine, University of Washington); PubMed 27221540 (cited by University of Washington Department of Laboratory Medicine, University of Washington); PubMed 32123317 (cited by Ambry Genetics).